The following is an entry in ClinVar:

ClinVar aggregate classification (germline): Uncertain significance (1 of 4 stars; one submission).

Conditions:
Familial adenomatous polyposis 1 (FAP1). Also called: FAMILIAL ADENOMATOUS POLYPOSIS 1, ATTENUATED; POLYPOSIS, ADENOMATOUS INTESTINAL. Identifiers: MedGen C2713442, MONDO:0021056, OMIM 175100. Disease mechanism: loss of function.

Submission:

Labcorp Genetics (formerly Invitae), Labcorp
Classification: Uncertain significance for Familial adenomatous polyposis 1. Last evaluated: 2024-03-07. Review status: criteria provided, single submitter. Criteria: Invitae Variant Classification Sherloc (09022015). Collection method: clinical testing. Allele origin: germline.
Comment: This variant occurs in a non-coding region of the APC gene. It does not change the encoded amino acid sequence of the APC protein. This variant is not present in population databases (gnomAD no frequency). This variant has not been reported in the literature in individuals affected with APC-related conditions. Experimental studies and prediction algorithms are not available or were not evaluated, and the functional significance of this variant is currently unknown. In summary, the available evidence is currently insufficient to determine the role of this variant in disease. Therefore, it has been classified as a Variant of Uncertain Significance.

NM_001127511.3(APC):c.-208T>C

Genes: APC (APC regulator of Wnt signaling pathway; plus strand), LOC129994371 (ATAC-STARR-seq lymphoblastoid active region 22910; plus strand). Cytogenetic location: 5q22.2.
Variant type: single nucleotide variant.
Coding change: c.-208T>C on transcript NM_001127511.3; 208 bases upstream of the start codon, T replaced by C.
Molecular consequence: 5 prime UTR variant. On other transcripts: non-coding transcript variant (2).
Genome position (GRCh38, 1-based): chr5:112,707,510, T>C. VCF-style: chr5-112707510-T-C. GRCh37 (hg19) VCF-style: chr5-112043207-T-C.
Other names: c.-158T>C (NM_001407450.1, NM_001407457.1, NM_001407458.1 and 1 more transcripts); c.-391T>C (NM_001407452.1, NM_001407456.1, NM_001407460.1 and 3 more transcripts); c.-182T>C (NM_001407453.1); c.-1426T>C (NM_001407470.1, NM_001407472.1); c.-208T>C (NM_001354897.2, NM_001354902.2, NM_001407446.1).
Identifiers: ClinVar variation 1009705 (VCV001009705.9), dbSNP rs1750568725, ClinGen allele CA1573442372.
Genomic context (GRCh38, chr5:112,707,510, plus strand): 5'-GCTCTAGTCTCCGGGCTGTGGGAAGCCAGCAACACCTCTCACGCATGCGCATTGTAGTCT[T>C]CCCACCTCCCACAAGATGGCGGAGGGCAAGTAGCAAGGGGGCGGGGTGTGGCCGCCGGAA-3'